The following is an entry in ClinVar:

ClinVar aggregate classification (germline): Uncertain significance. Review status: criteria provided, multiple submitters, no conflicts (2 of 4 stars). 9 submissions from 9 submitters: Uncertain significance (9). Last evaluated 2026-01-12.

Conditions:
Cardiovascular phenotype. Identifiers: MedGen CN230736.
MYBPC3-related disorder. Also called: MYBPC3-related disorders; MYBPC3-related condition; MYBPC3-related disease.
Hypertrophic cardiomyopathy 4. Also called: Familial hypertrophic cardiomyopathy 4. Identifiers: MedGen C1861862, MONDO:0007268, OMIM 115197.
Left ventricular noncompaction 10 (LVNC10). Identifiers: Orphanet 154, Orphanet 54260, MedGen C3715165, MONDO:0014163, OMIM 615396.
Cardiomyopathy (CMYO). Also called: Cardiomyopathies. Identifiers: Orphanet 167848, MedGen C0878544, MONDO:0004994, HP:0001638. Inheritance: Various modes of inheritance.
Hypertrophic cardiomyopathy. Also called: HYPERTROPHIC MYOCARDIOPATHY. Identifiers: Orphanet 217569, MedGen C0007194, MeSH D002312, MONDO:0005045, HP:0001639.

Allele frequency attached by ClinVar (database versions not stated): ExAC below 0.00001; gnomAD exomes 0.00002; gnomAD 0.00004; TOPMed 0.00007.
gnomAD v4.1: 19 of 1,585,428 alleles (0.0012%); highest among the groups gnomAD compares: African/African-American, 0.0094%; no homozygotes.

Submissions (9):

Labcorp Genetics (formerly Invitae), Labcorp
Classification: Uncertain significance for Hypertrophic cardiomyopathy. Last evaluated: 2026-01-12. Review status: criteria provided, single submitter. Criteria: Invitae Variant Classification Sherloc (09022015). Collection method: clinical testing. Allele origin: germline.
Comment: This sequence change replaces arginine, which is basic and polar, with histidine, which is basic and polar, at codon 980 of the MYBPC3 protein (p.Arg980His). This variant is present in population databases (rs727503179, gnomAD 0.01%). This missense change has been observed in individual(s) with hypertrophic cardiomyopathy (PMID: 27532257, 37652022). ClinVar contains an entry for this variant (Variation ID: 164054). An algorithm developed to predict the effect of missense changes on protein structure and function (PolyPhen-2) suggests that this variant is likely to be disruptive. In summary, the available evidence is currently insufficient to determine the role of this variant in disease. Therefore, it has been classified as a Variant of Uncertain Significance.

Ambry Genetics
Classification: Uncertain significance for Cardiovascular phenotype. Last evaluated: 2025-12-10. Review status: criteria provided, single submitter. Criteria: Ambry Variant Classification Scheme 2023. Collection method: clinical testing. Allele origin: germline.
Comment: The p.R980H variant (also known as c.2939G>A), located in coding exon 28 of the MYBPC3 gene, results from a G to A substitution at nucleotide position 2939. The arginine at codon 980 is replaced by histidine, an amino acid with highly similar properties. This variant has been detected in one individual from a hypertrophic cardiomyopathy (HCM) testing cohort and also in three individuals without overt cardiomyopathy; however, clinical details were limited (Bick AG et al. Am. J. Hum. Genet., 2012 Sep;91:513-9; Walsh R et al. Genet. Med., 2017 02;19:192-203). This amino acid position is highly conserved in available vertebrate species. In addition, the in silico prediction for this alteration is inconclusive. Based on the available evidence, the clinical significance of this variant remains unclear.

PreventionGenetics, part of Exact Sciences
Classification: Uncertain significance for MYBPC3-related condition. Last evaluated: 2025-07-09. Review status: criteria provided, single submitter. Criteria: ACMG Guidelines, 2015. Collection method: clinical testing. Allele origin: germline.
Comment: The MYBPC3 c.2939G>A variant is predicted to result in the amino acid substitution p.Arg980His. This variant has been reported as a variant of uncertain significance in both controls and affected individuals with hypertrophic cardiomyopathy (Table S1B, Walsh et al. 2017. PubMed ID: 27532257; Table S8, McGurk et al. 2023. PubMed ID: 37652022). This variant is reported in 0.010% of alleles in individuals of Latino descent in gnomAD. At this time, the clinical significance of this variant is uncertain due to the absence of conclusive functional and genetic evidence.

Color Diagnostics, LLC DBA Color Health
Classification: Uncertain significance for Cardiomyopathy. Last evaluated: 2025-06-24. Review status: criteria provided, single submitter. Criteria: ACMG Guidelines, 2015. Collection method: clinical testing. Allele origin: germline.
Comment: This missense variant replaces arginine with histidine at codon 980 of the MYBPC3 protein. Computational prediction suggests that this variant may have a deleterious impact on protein structure and function. To our knowledge, functional studies have not been reported for this variant. This variant has been reported in an individual affected with hypertrophic cardiomyopathy (PMID: 27532257, 37652022). This variant has been identified in 4/202388 chromosomes in the general population by the Genome Aggregation Database (gnomAD). The available evidence is insufficient to determine the role of this variant in disease conclusively. Therefore, this variant is classified as a Variant of Uncertain Significance.

All of Us Research Program, National Institutes of Health
Classification: Uncertain significance for Hypertrophic cardiomyopathy. Last evaluated: 2023-04-27. Review status: criteria provided, single submitter. Criteria: ACMG Guidelines, 2015. Collection method: clinical testing. Allele origin: germline. Inheritance: Autosomal dominant inheritance. Observed: 1 variant allele, 1 heterozygote.
Comment: This missense variant replaces arginine with histidine at codon 980 of the MYBPC3 protein. Computational prediction is inconclusive regarding the impact of this variant on protein structure and function (internally defined REVEL score threshold 0.5 < inconclusive < 0.7, PMID: 27666373). To our knowledge, functional studies have not been reported for this variant. This variant has been reported in an individual affected with hypertrophic cardiomyopathy (MID: 27532257). This variant has been identified in 4/202388 chromosomes in the general population by the Genome Aggregation Database (gnomAD). The available evidence is insufficient to determine the role of this variant in disease conclusively. Therefore, this variant is classified as a Variant of Uncertain Significance.

This study involves interpretation of variants in research participants for the purpose of population health screening. Participant phenotype was not available at the time of variant classification. Additional details can be found in publication PMID: 35346344, PMCID: PMC8962531

Diagnostics Services (NGS), CSIR - Centre For Cellular And Molecular Biology
Classification: Uncertain significance for Hypertrophic cardiomyopathy 4; Left ventricular noncompaction 10. Last evaluated: 2022-03-17. Review status: criteria provided, single submitter. Criteria: ACMG Guidelines, 2015. Collection method: clinical testing. Allele origin: unknown. Inheritance: Autosomal dominant inheritance. Affected: yes. Observed: 1 variant allele, 1 heterozygote.
Comment: The c.2939G>A variant is not present in publicly available population databases like 1000 Genomes, EVS, ExAC and Indian Exome Database. Heterozygous state of the variant is present in Genome Aggregation Database (gnomAD), at a very low frequency. The variant was previously identified in patients affected with hypertrophic cardiomyopathy (PMID:27532257) and reported to HGMD (ID: CM1616999). The variant was also several times reported to ClinVar as uncertain significance, mainly due to lack of established functional studies (Accession: VCV000164054.4). The variant had also been identified in 3 unaffected individuals from 1963 individuals participating in the Jackson Heart Study (PMID:22958901) and had not been reported in individuals with cardiomyopathy. In-silico pathogenicity prediction programs like SIFT, PolyPhen-2, MutationTaster2, CADD etc. predicted this variant to be likely deleterious, however these predictions were not confirmed by any published functional studies.

Fulgent Genetics
Classification: Uncertain significance for Hypertrophic cardiomyopathy 4; Left ventricular noncompaction 10. Last evaluated: 2021-11-12. Review status: criteria provided, single submitter. Criteria: ACMG Guidelines, 2015. Collection method: clinical testing. Allele origin: unknown.

CHEO Genetics Diagnostic Laboratory, Children's Hospital of Eastern Ontario
Classification: Uncertain significance for Cardiomyopathy. Last evaluated: 2020-06-05. Review status: criteria provided, single submitter. Criteria: ACMG Guidelines, 2015. Collection method: clinical testing. Allele origin: germline.

Laboratory for Molecular Medicine, Mass General Brigham Personalized Medicine
Classification: Uncertain significance. Last evaluated: 2013-07-17. Review status: criteria provided, single submitter. Criteria: LMM Criteria. Collection method: clinical testing. Allele origin: germline. Observed: 1 variant allele.
Comment: The Arg980His variant in MYBPC3 has been identified in 3 unaffected individuals from 1963 individuals participating in the Jackson Heart Study (Bick 2012) and h as not been reported in individuals with cardiomyopathy. Data from large populat ion studies is insufficient to assess the frequency of this variant. Computation al analyses (biochemical amino acid properties, conservation, AlignGVGD, PolyPhe n2, and SIFT) suggest that this variant may impact the protein, though this info rmation is not predictive enough to determine pathogenicity. In summary, additio nal information is needed to fully assess the clinical significance of this vari ant.

Literature cited by the submitters: PubMed 27532257 (cited by 4 submitters); PubMed 37652022 (cited by Labcorp Genetics (formerly Invitae), Labcorp and Color Diagnostics, LLC DBA Color Health); PubMed 22958901 (cited by 3 submitters).

NM_000256.3(MYBPC3):c.2939G>A (p.Arg980His)

Gene: MYBPC3 (myosin binding protein C3; minus strand). Cytogenetic location: 11p11.2.
Variant type: single nucleotide variant.
Coding change: c.2939G>A on transcript NM_000256.3 (MANE Select); coding-DNA position 2939, G replaced by A.
Protein change: p.Arg980His; replaces arginine 980 with histidine.
Molecular consequence: missense variant.
Genome position (GRCh38, 1-based): chr11:47,333,977, C>T on the plus strand (G>A on the coding strand, the complement: MYBPC3 is on the minus strand). VCF-style: chr11-47333977-C-T. GRCh37 (hg19) VCF-style: chr11-47355528-C-T.
Other names: short protein forms R980H.
Identifiers: ClinVar variation 164054 (VCV000164054.22), dbSNP rs727503179, ClinGen allele CA013209.
Genomic context (GRCh38, chr11:47,333,977, plus strand): 5'-CCCACCTGGAAAGGGATGAGAAGGTTCACAGGCTCCCCGACCTTCTTCTGAATGGTCTGG[C>T]GCAGGTGCCTGGGCAGCTGAAGCCGTGGCCGTTCTGTGGGTATAGAGTGGGTAGCTAAGT-3'
Protein context (NP_000247.2, residues 970-990): RPRLQLPRHL[Arg980His]QTIQKKVGEP